The following is an entry in ClinVar:

NM_000038.6(APC):c.3514C>G (p.His1172Asp)

Gene: APC (APC regulator of Wnt signaling pathway; plus strand). Cytogenetic location: 5q22.2.
Variant type: single nucleotide variant.
Coding change: c.3514C>G on transcript NM_000038.6 (MANE Select); coding-DNA position 3514, C replaced by G.
Protein change: p.His1172Asp; replaces histidine 1172 with aspartic acid.
Molecular consequence: missense variant. On other transcripts: non-coding transcript variant (2).
Genome position (GRCh38, 1-based): chr5:112,839,108, C>G. VCF-style: chr5-112839108-C-G. GRCh37 (hg19) VCF-style: chr5-112174805-C-G.
Other names: c.3514C>G, p.His1172Asp (NM_001127510.3, NM_001354895.2, NM_001407450.1); c.3460C>G, p.His1154Asp (NM_001127511.3); c.3568C>G, p.His1190Asp (NM_001354896.2, NM_001407447.1, NM_001407448.1 and 1 more transcripts); c.3544C>G, p.His1182Asp (NM_001354897.2); c.3439C>G, p.His1147Asp (NM_001354898.2); c.3430C>G, p.His1144Asp (NM_001354899.2); c.3391C>G, p.His1131Asp (NM_001354900.2); c.3337C>G, p.His1113Asp (NM_001354901.2, NM_001407453.1); and 11 more; short protein forms H1081D, H1144D, H1162D, H1182D, H1200D, H1043D, H1046D, H1089D.
Identifiers: ClinVar variation 3705991 (VCV003705991.2).

ClinVar aggregate classification (germline): Uncertain significance (1 of 4 stars; one submission).

Conditions:
Familial adenomatous polyposis 1 (FAP1). Also called: POLYPOSIS, ADENOMATOUS INTESTINAL; FAMILIAL ADENOMATOUS POLYPOSIS 1, ATTENUATED. Identifiers: MedGen C2713442, MONDO:0021056, OMIM 175100. Disease mechanism: loss of function.

Submission:

Labcorp Genetics (formerly Invitae), Labcorp
Classification: Uncertain significance for Familial adenomatous polyposis 1. Last evaluated: 2024-10-22. Review status: criteria provided, single submitter. Criteria: Invitae Variant Classification Sherloc (09022015). Collection method: clinical testing. Allele origin: germline.
Comment: This sequence change replaces histidine, which is basic and polar, with aspartic acid, which is acidic and polar, at codon 1172 of the APC protein (p.His1172Asp). This variant is not present in population databases (gnomAD no frequency). This variant has not been reported in the literature in individuals affected with APC-related conditions. Invitae Evidence Modeling of protein sequence and biophysical properties (such as structural, functional, and spatial information, amino acid conservation, physicochemical variation, residue mobility, and thermodynamic stability) indicates that this missense variant is not expected to disrupt APC protein function with a negative predictive value of 95%. In summary, the available evidence is currently insufficient to determine the role of this variant in disease. Therefore, it has been classified as a Variant of Uncertain Significance.